The following is an entry in ClinVar:

NM_181523.3(PIK3R1):c.1019+6G>C

Gene: PIK3R1 (phosphoinositide-3-kinase regulatory subunit 1; plus strand). Cytogenetic location: 5q13.1.
Variant type: single nucleotide variant.
Coding change: c.1019+6G>C on transcript NM_181523.3 (MANE Select); 6 bases into the intron after coding-DNA position 1019, G replaced by C.
Molecular consequence: intron variant.
Genome position (GRCh38, 1-based): chr5:68,292,367, G>C. VCF-style: chr5-68292367-G-C. GRCh37 (hg19) VCF-style: chr5-67588195-G-C.
Other names: c.119+6G>C (NM_181524.2); c.209+6G>C (NM_181504.4).
Identifiers: ClinVar variation 532022 (VCV000532022.9), dbSNP rs749016701, ClinGen allele CA3290267.

ClinVar aggregate classification (germline): Uncertain significance (1 of 4 stars; one submission).

Conditions:
SHORT syndrome. Also called: PIK3R1-Related SHORT Syndrome; LIPODYSTROPHY, PARTIAL, WITH RIEGER ANOMALY AND SHORT STATURE; SHORT STATURE, HYPEREXTENSIBILITY, HERNIA, OCULAR DEPRESSION, RIEGER ANOMALY, AND TEETHING DELAY. Identifiers: Orphanet 3163, MedGen C0878684, MONDO:0010026, OMIM 269880.
Agammaglobulinemia 7, autosomal recessive (AGM7). Also called: AGAMMAGLOBULINEMIA, AUTOSOMAL RECESSIVE, DUE TO PIK3R1 DEFECT. Identifiers: MedGen C3554689, MONDO:0014083, OMIM 615214.
Immunodeficiency 36 with lymphoproliferation. Also called: Immunodeficiency 36; ACTIVATED PI3K-DELTA SYNDROME 2; Activated PI3K Delta Syndrome Type 2 (APDS2). Identifiers: Orphanet 397596, Orphanet 693681, MedGen C4014934, MONDO:0014453, OMIM 616005.

Allele frequency attached by ClinVar (database versions not stated): TOPMed below 0.00001; gnomAD 0.00001.
gnomAD v4.1: 20 of 1,592,484 alleles (0.0013%); highest among the groups gnomAD compares: Non-Finnish European, 0.0015%; no homozygotes.

Submission:

Labcorp Genetics (formerly Invitae), Labcorp
Classification: Uncertain significance for SHORT syndrome; Immunodeficiency 36 with lymphoproliferation; Agammaglobulinemia 7, autosomal recessive. Last evaluated: 2025-11-22. Review status: criteria provided, single submitter. Criteria: Invitae Variant Classification Sherloc (09022015). Collection method: clinical testing. Allele origin: germline.
Comment: This sequence change falls in intron 8 of the PIK3R1 gene. It does not directly change the encoded amino acid sequence of the PIK3R1 protein. It affects a nucleotide within the consensus splice site. This variant is present in population databases (rs749016701, gnomAD 0.003%). This variant has not been reported in the literature in individuals affected with PIK3R1-related conditions. ClinVar contains an entry for this variant (Variation ID: 532022). Variants that disrupt the consensus splice site are a relatively common cause of aberrant splicing (PMID: 17576681, 9536098). Algorithms developed to predict the effect of sequence changes on RNA splicing suggest that this variant is not likely to affect RNA splicing. In summary, the available evidence is currently insufficient to determine the role of this variant in disease. Therefore, it has been classified as a Variant of Uncertain Significance.

Literature cited by the submitters: PubMed 17576681; PubMed 9536098.